The following is an entry in ClinVar:

ClinVar aggregate classification (germline): Uncertain significance (1 of 4 stars; one submission).

Conditions:
APP-related disorder. Also called: APP-related condition.

gnomAD v4.1: 13 of 1,614,068 alleles (0.00081%); highest among the groups gnomAD compares: African/African-American, 0.004%; no homozygotes.

Submission:

PreventionGenetics, part of Exact Sciences
Classification: Uncertain significance for APP-related condition. Last evaluated: 2025-03-18. Review status: criteria provided, single submitter. Criteria: ACMG Guidelines, 2015. Collection method: clinical testing. Allele origin: germline.
Comment: The APP c.901C>T variant is predicted to result in premature protein termination (p.Arg301*). To our knowledge, this variant has not been reported in the literature. This variant is reported in 0.0080% of alleles in individuals of African descent in gnomAD. At this time, the clinical significance of this variant is uncertain due to the absence of conclusive functional and genetic evidence.

NM_000484.4(APP):c.901C>T (p.Arg301Ter)

Gene: APP (amyloid beta precursor protein; minus strand). Cytogenetic location: 21q21.3.
Variant type: single nucleotide variant.
Coding change: c.901C>T on transcript NM_000484.4 (MANE Select); coding-DNA position 901, C replaced by T.
Protein change: p.Arg301Ter; replaces arginine 301 with a stop codon.
Molecular consequence: nonsense. On other transcripts: intron variant (5).
Genome position (GRCh38, 1-based): chr21:26,000,147, G>A on the plus strand (C>T on the coding strand, the complement: APP is on the minus strand). VCF-style: chr21-26000147-G-A. GRCh37 (hg19) VCF-style: chr21-27372462-G-A.
Other names: c.886C>T, p.Arg296Ter (NM_001136016.3); c.733C>T, p.Arg245Ter (NM_001136130.3); c.901C>T, p.Arg301Ter (NM_001204301.2, NM_001204302.2, NM_201413.3); c.761-17670C>T (NM_001136131.3); c.698-17670C>T (NM_001136129.3); c.866-17670C>T (NM_001204303.2, NM_201414.3); c.866-2731C>T (NM_001385253.1); short protein forms R245*, R301*, R296*.
Identifiers: ClinVar variation 4988079 (VCV004988079.1).
Genomic context (GRCh38, chr21:26,000,147, plus strand): 5'-AAAAGAATGGGGCACACTTCCCTTCAGTCACATCAAAGTACCAGCGGGAGATCATTGCTC[G>A]GCACGGCCCCGTCTCGGCTTGTTCAGAGCACACCTCTAATCAGAGGAGATGTGGGGAACC-3'